The following is an entry in ClinVar:

ClinVar aggregate classification (germline): Uncertain significance. Review status: criteria provided, multiple submitters, no conflicts (2 of 4 stars). 2 submissions from 2 submitters: Uncertain significance (2). Last evaluated 2025-02-10.

Allele frequency attached by ClinVar (database versions not stated): gnomAD exomes below 0.00001; ExAC 0.00001; TOPMed 0.00003; gnomAD 0.00005 and 0.00006.
gnomAD v4.1: 12 of 1,614,088 alleles (0.00074%); highest among the groups gnomAD compares: African/African-American, 0.016%; no homozygotes.

Submissions (2):

Ambry Genetics
Classification: Uncertain significance. Last evaluated: 2025-02-10. Review status: criteria provided, single submitter. Criteria: Ambry Variant Classification Scheme 2023. Collection method: clinical testing. Allele origin: germline.

Labcorp Genetics (formerly Invitae), Labcorp
Classification: Uncertain significance. Last evaluated: 2022-03-10. Review status: criteria provided, single submitter. Criteria: Invitae Variant Classification Sherloc (09022015). Collection method: clinical testing. Allele origin: germline.
Comment: This sequence change replaces glutamine, which is neutral and polar, with histidine, which is basic and polar, at codon 2182 of the CEP250 protein (p.Gln2182His). This variant is present in population databases (rs763994225, gnomAD 0.007%). This variant has not been reported in the literature in individuals affected with CEP250-related conditions. Algorithms developed to predict the effect of missense changes on protein structure and function are either unavailable or do not agree on the potential impact of this missense change (SIFT: "Not Available"; PolyPhen-2: "Probably Damaging"; Align-GVGD: "Not Available"). In summary, the available evidence is currently insufficient to determine the role of this variant in disease. Therefore, it has been classified as a Variant of Uncertain Significance.

NM_007186.6(CEP250):c.6546G>T (p.Gln2182His)

Gene: CEP250 (centrosomal protein 250; plus strand). Cytogenetic location: 20q11.22.
Variant type: single nucleotide variant.
Coding change: c.6546G>T on transcript NM_007186.6 (MANE Select); coding-DNA position 6546, G replaced by T.
Protein change: p.Gln2182His; replaces glutamine 2182 with histidine.
Molecular consequence: missense variant.
Genome position (GRCh38, 1-based): chr20:35,504,915, G>T. VCF-style: chr20-35504915-G-T. GRCh37 (hg19) VCF-style: chr20-34092743-G-T.
Other names: c.4650G>T, p.Gln1550His (NM_001318219.1); c.6546G>T (NM_007186.3); short protein forms Q1550H, Q2182H.
Identifiers: ClinVar variation 1495873 (VCV001495873.6), dbSNP rs763994225, ClinGen allele CA9834091.